The following is an entry in ClinVar:

NM_001079866.2(BCS1L):c.434dup (p.Val146fs)

Gene: BCS1L (BCS1 ubiquinol-cytochrome c reductase complex chaperone; plus strand). Cytogenetic location: 2q35.
Variant type: Duplication.
Coding change: c.434dup on transcript NM_001079866.2 (MANE Select); coding-DNA position 434, one base duplicated (A; older notation c.434dupA).
Protein change: p.Val146fs; shifts the reading frame from valine 146.
Molecular consequence: frameshift variant. On other transcripts: 5 prime UTR variant (5), non-coding transcript variant (1), intron variant (1).
Genome position (GRCh38, 1-based): chr2:218,661,519, A duplicated; the last of 3 consecutive A bases (chr2:218,661,517-218,661,519); duplicating any one gives the same sequence. VCF-style (leftmost placement, unchanged base first): chr2-218661516-G-GA. GRCh37 (hg19) VCF-style: chr2-219526239-G-GA.
Other names: c.434dup, p.Val146fs (NM_001257342.2, NM_001257343.2, NM_001257344.2 and 10 more transcripts); c.74dup, p.Val26fs (NM_001318836.2, NM_001371451.1); c.-43dup (NM_001371453.1, NM_001371454.1, NM_001371455.1 and 2 more transcripts); c.-41-240dup (NM_001371452.1); short protein forms V146fs, V26fs.
Identifiers: ClinVar variation 2709655 (VCV002709655.3), dbSNP rs2469874620, ClinGen allele CA2697550442.
Genomic context (GRCh38, chr2:218,661,516, plus strand): 5'-TAGACTTGCAGACGGGGACTCCTTGGGAATCTGTCACCTTCACGGCCCTGGGCACTGACC[G>GA]AAAGGTTTTCTTCAACATCCTGGAGGAAGGTGTGGGATGGCACAGGCAGGCTTTCTAGGG-3'

ClinVar aggregate classification (germline): Pathogenic (1 of 4 stars; one submission).

Submission:

Labcorp Genetics (formerly Invitae), Labcorp
Classification: Pathogenic. Last evaluated: 2024-01-16. Review status: criteria provided, single submitter. Criteria: Invitae Variant Classification Sherloc (09022015). Collection method: clinical testing. Allele origin: germline.
Comment: This sequence change creates a premature translational stop signal (p.Val146Glyfs*30) in the BCS1L gene. It is expected to result in an absent or disrupted protein product. Loss-of-function variants in BCS1L are known to be pathogenic (PMID: 12215968, 17314340, 19162478, 19508421, 22277166, 25895478). This variant is not present in population databases (gnomAD no frequency). This variant has not been reported in the literature in individuals affected with BCS1L-related conditions. Algorithms developed to predict the effect of sequence changes on RNA splicing suggest that this variant may disrupt the consensus splice site. For these reasons, this variant has been classified as Pathogenic.

Literature cited by the submitters: PubMed 12215968; PubMed 17314340; PubMed 19162478; PubMed 19508421; PubMed 22277166; PubMed 25895478.